The following is an entry in ClinVar:

NM_016239.4(MYO15A):c.9691-3C>A

Gene: MYO15A (myosin XVA; plus strand). Cytogenetic location: 17p11.2.
Variant type: single nucleotide variant.
Coding change: c.9691-3C>A on transcript NM_016239.4 (MANE Select); 3 bases into the intron before coding-DNA position 9691, C replaced by A.
Molecular consequence: intron variant.
Genome position (GRCh38, 1-based): chr17:18,163,739, C>A. VCF-style: chr17-18163739-C-A. GRCh37 (hg19) VCF-style: chr17-18067053-C-A.
Identifiers: ClinVar variation 45776 (VCV000045776.56), dbSNP rs142996507, ClinGen allele CA137034.
Genomic context (GRCh38, chr17:18,163,739, plus strand): 5'-GGGCCAGAAGGACAGAGGTCAAGCCCAACTGGCATGGCCTCATCTCTTCCGCCCCACCCC[C>A]AGGTGGCCCTGGACGTGGTGGAAGAGATATGTGCTGAGATGGCTCTGACACGCCCTGAGG-3'

ClinVar aggregate classification (germline): Conflicting classifications of pathogenicity. Review status: criteria provided, conflicting classifications (1 of 4 stars). 9 submissions from 9 submitters: Uncertain significance (1); Benign (3); Likely benign (4). 1 of the submissions does not count toward it. Last evaluated 2026-04-24.

Conditions:
MYO15A-related disorder. Also called: MYO15A-related condition.
Autosomal recessive nonsyndromic hearing loss 3. Also called: NEUROSENSORY NONSYNDROMIC RECESSIVE DEAFNESS 3. Identifiers: Orphanet 90636, MedGen C1838263, MONDO:0010860, OMIM 600316.

Allele frequency attached by ClinVar (database versions not stated): TOPMed 0.00103; 1000 Genomes Project 30x 0.00109; gnomAD 0.00110 and 0.00115; 1000 Genomes Project 0.00120; ESP Exome Variant Server 0.00123; gnomAD exomes 0.00127; ExAC 0.00146.
gnomAD v4.1: 2,030 of 1,611,862 alleles (0.13%); highest among the groups gnomAD compares: Non-Finnish European, 0.12%; 5 homozygotes.

Submissions (9):

Women's Health and Genetics/Laboratory Corporation of America, LabCorp
Classification: Benign. Last evaluated: 2026-04-24. Review status: criteria provided, single submitter. Criteria: LabCorp Variant Classification Summary - May 2015. Collection method: clinical testing. Allele origin: germline.
Comment: Variant summary: MYO15A c.9691-3C>A alters a conserved nucleotide located close to a canonical splice site and therefore could affect mRNA splicing, leading to a significantly altered protein sequence. Several computational tools predict a significant impact on normal splicing: One predict the variant abolishes the canonical 3' acceptor site and three predict the variant weakens a 3' acceptor site. However, these predictions have yet to be confirmed by functional studies. The variant allele was found at a frequency of 0.0013 in 245060 control chromosomes, predominantly at a frequency of 0.01 within the Ashkenazi Jewish subpopulation in the gnomAD database, including 1 homozygote. The observed variant frequency within Ashkenazi Jewish control individuals in the gnomAD database exceeds the estimated maximal expected allele frequency for disease-causing variants in MYO15A. To our knowledge, no occurrence of c.9691-3C>A in individuals affected with MYO15A-related conditions and no experimental evidence demonstrating its impact on protein function have been reported. ClinVar contains an entry for this variant (Variation ID: 45776). Based on the evidence outlined above, the variant was classified as benign.

Labcorp Genetics (formerly Invitae), Labcorp
Classification: Benign. Last evaluated: 2026-01-28. Review status: criteria provided, single submitter. Criteria: Invitae Variant Classification Sherloc (09022015). Collection method: clinical testing. Allele origin: germline.

CeGaT Center for Human Genetics Tuebingen
Classification: Likely benign. Last evaluated: 2025-10-01. Review status: criteria provided, single submitter. Criteria: CeGaT Center For Human Genetics Tuebingen Variant Classification Criteria Version 2. Collection method: clinical testing. Allele origin: germline. Affected: yes. Observed: 2 variant alleles.
Comment: MYO15A: BP4, BS2

Blueprint Genetics
Classification: Likely benign. Last evaluated: 2024-11-28. Review status: criteria provided, single submitter. Criteria: ACMG Guidelines, 2015. Collection method: clinical testing. Allele origin: germline.

GeneDx
Classification: Benign. Last evaluated: 2019-07-08. Review status: criteria provided, single submitter. Criteria: GeneDx Variant Classification Process June 2021. Collection method: clinical testing. Allele origin: germline. Affected: yes.

Illumina Laboratory Services, Illumina
Classification: Uncertain significance for Autosomal recessive nonsyndromic hearing loss 3. Last evaluated: 2018-01-13. Review status: criteria provided, single submitter. Criteria: ICSL Variant Classification Criteria 13 December 2019. Collection method: clinical testing. Allele origin: germline.

Eurofins Ntd Llc (ga)
Classification: Likely benign. Last evaluated: 2017-12-26. Review status: criteria provided, single submitter. Criteria: EGL Classification Definitions 2015. Collection method: clinical testing. Allele origin: germline. Observed: 1 variant allele, 1 heterozygote.

Laboratory for Molecular Medicine, Mass General Brigham Personalized Medicine
Classification: Likely benign. Last evaluated: 2016-06-27. Review status: criteria provided, single submitter. Criteria: LMM Criteria. Collection method: clinical testing. Allele origin: germline. Observed: 4 variant alleles.
Comment: c.9691-3C>A in exon 60 MYO15A: This variant has been identified by our laborato ry in 4 individuals with hearing loss, two of whom had pathogenic variants in di fferent genes that explained the hearing loss. The remaining two individuals wh o were heterozygous had either unilateral or significantly assymmetrical mixed h earing loss (mild in one ear, profound in the other), which is not consistent wi th a MYO15A-related hearing loss. It has not been reported in the literature. T his variant has been identified in several populations by the Exome Aggregation Consortium with the highest frequency of 0.2% (93/46340) in European chromosomes (ExAC; dbSNP rs142996507). Given the relatively high frequency of this variant in the general population and the fact that it h as never been reported in trans with a pathogenic variant in MYO15A in an indivi dual with hearing loss, this variant is likely benign.

PreventionGenetics, part of Exact Sciences
Classification: Benign for MYO15A-related condition. Last evaluated: 2020-09-17. Review status: no assertion criteria provided. Collection method: clinical testing. Allele origin: germline. Not counted in ClinVar's aggregate classification.
Comment: This variant is classified as benign based on ACMG/AMP sequence variant interpretation guidelines (Richards et al. 2015 PMID: 25741868, with internal and published modifications).